The following is an entry in ClinVar:

ClinVar aggregate classification (germline): Uncertain significance (1 of 4 stars; one submission).

Submission:

Labcorp Genetics (formerly Invitae), Labcorp
Classification: Uncertain significance. Last evaluated: 2022-01-18. Review status: criteria provided, single submitter. Criteria: Invitae Variant Classification Sherloc (09022015). Collection method: clinical testing. Allele origin: germline.
Comment: This variant has not been reported in the literature in individuals affected with MSH3-related conditions. In summary, the available evidence is currently insufficient to determine the role of this variant in disease. Therefore, it has been classified as a Variant of Uncertain Significance. Algorithms developed to predict the effect of missense changes on protein structure and function are either unavailable or do not agree on the potential impact of this missense change (SIFT: "Deleterious"; PolyPhen-2: "Benign"; Align-GVGD: "Class C0"). This variant is not present in population databases (gnomAD no frequency). This sequence change replaces aspartic acid, which is acidic and polar, with alanine, which is neutral and non-polar, at codon 802 of the MSH3 protein (p.Asp802Ala).

NM_002439.5(MSH3):c.2405A>C (p.Asp802Ala)

Gene: MSH3 (mutS homolog 3; plus strand). Cytogenetic location: 5q14.1.
Variant type: single nucleotide variant.
Coding change: c.2405A>C on transcript NM_002439.5 (MANE Select); coding-DNA position 2405, A replaced by C.
Protein change: p.Asp802Ala; replaces aspartic acid 802 with alanine.
Molecular consequence: missense variant.
Genome position (GRCh38, 1-based): chr5:80,778,806, A>C. VCF-style: chr5-80778806-A-C. GRCh37 (hg19) VCF-style: chr5-80074625-A-C.
Other names: short protein forms D802A.
Identifiers: ClinVar variation 1977868 (VCV001977868.5), dbSNP rs2546779589, ClinGen allele CA360281871.
Genomic context (GRCh38, chr5:80,778,806, plus strand): 5'-CTCCTTTTATTGTAGAAAATTACAGACATCTGAATCAGCTCCGGGAGCAGCTAGTCCTTG[A>C]CTGCAGTGCTGAATGGCTTGATTTTCTAGAGTGAGTTTACAATGAAAAAATATAATCTGA-3'
Protein context (NP_002430.3, residues 792-812): LNQLREQLVL[Asp802Ala]CSAEWLDFLE